The following is an entry in ClinVar:

NM_020719.3(PRR12):c.806C>T (p.Ser269Leu)

Gene: PRR12 (proline rich 12; plus strand). Cytogenetic location: 19q13.33.
Variant type: single nucleotide variant.
Coding change: c.806C>T on transcript NM_020719.3 (MANE Select); coding-DNA position 806, C replaced by T.
Protein change: p.Ser269Leu; replaces serine 269 with leucine.
Molecular consequence: missense variant.
Genome position (GRCh38, 1-based): chr19:49,595,141, C>T. VCF-style: chr19-49595141-C-T. GRCh37 (hg19) VCF-style: chr19-50098398-C-T.
Other names: short protein forms S269L.
Identifiers: ClinVar variation 2572206 (VCV002572206.1), dbSNP rs758553555, ClinGen allele CA9577748.

ClinVar aggregate classification (germline): Uncertain significance (1 of 4 stars; one submission).

Allele frequency attached by ClinVar (database versions not stated): ExAC 0.00002; gnomAD exomes 0.00002; TOPMed 0.00002; gnomAD 0.00003.
gnomAD v4.1: 27 of 1,611,614 alleles (0.0017%); highest among the groups gnomAD compares: Middle Eastern, 0.016%; no homozygotes.

Submission:

Greenwood Genetic Center Diagnostic Laboratories, Greenwood Genetic Center
Classification: Uncertain significance. Last evaluated: 2023-05-10. Review status: criteria provided, single submitter. Criteria: ACMG Guidelines, 2015. Collection method: clinical testing. Allele origin: germline. Affected: yes.
Comment: PM2, PP2, PP3